The following is an entry in ClinVar:

ClinVar aggregate classification (germline): Uncertain significance (1 of 4 stars; one submission).

Conditions:
Hereditary cancer-predisposing syndrome. Also called: Neoplastic Syndromes, Hereditary; Tumor predisposition; Hereditary Cancer Syndrome; Hereditary neoplastic syndrome. Identifiers: Orphanet 140162, MedGen C0027672, MeSH D009386, MONDO:0015356.

Submission:

Ambry Genetics
Classification: Uncertain significance for Hereditary cancer-predisposing syndrome. Last evaluated: 2022-08-11. Review status: criteria provided, single submitter. Criteria: Ambry Variant Classification Scheme 2023. Collection method: clinical testing. Allele origin: germline.
Comment: The c.345+1_345+2dupGT intronic variant results from a duplication of 2 nucleotides at nucleotide position 345 after intron 4 of the RAD51D gene. This nucleotide region is highly conserved in available vertebrate species. In silico splice site analysis predicts that this alteration will weaken the native splice donor site; however, direct evidence is insufficient at this time (Ambry internal data). Since supporting evidence is limited at this time, the clinical significance of this alteration remains unclear.

NM_002878.4(RAD51D):c.345+1_345+2dup

Genes: RAD51L3-RFFL (RAD51L3-RFFL readthrough; minus strand), RAD51D (RAD51 paralog D; minus strand). Cytogenetic location: 17q12.
Variant type: Duplication.
Coding change: c.345+1_345+2dup on transcript NM_002878.4 (MANE Select); the canonical splice donor site of the intron after coding-DNA position 345, 2 bases duplicated (GT; older notation c.345+1_345+2dupGT).
Molecular consequence: splice donor variant. On other transcripts: intron variant (1).
Genome position (GRCh38, 1-based): chr17:35,107,364-35,107,365, AC duplicated on the plus strand (GT on the coding strand, the reverse complement: RAD51D is on the minus strand). VCF-style (leftmost placement, unchanged base first): chr17-35107363-T-TAC. GRCh37 (hg19) VCF-style: chr17-33434382-T-TAC.
Other names: c.145-884_145-883dup (NM_133629.3); c.405+1_405+2dup (NM_001142571.2).
Identifiers: ClinVar variation 1731559 (VCV001731559.2), dbSNP rs2509142179, ClinGen allele CA2580093218.
Genomic context (GRCh38, chr17:35,107,363, plus strand): 5'-CCCTGGGCTATGCATCTACCACCCTCACCCCTAAATCCTCCTGACTGCTGGCCTCACATG[T>TAC]ACCTGAGTTTTGCCGCTACCTGGGCCTCCTACAATTTCAGTCACTTCTCCAGTATAGAGA-3'